The following is an entry in ClinVar:

ClinVar aggregate classification (germline): Benign. Review status: criteria provided, multiple submitters, no conflicts (2 of 4 stars). 2 submissions from 2 submitters: Benign (2). Last evaluated 2018-01-12.

Conditions:
D-2-hydroxyglutaric aciduria 1 (D2HGA1). Identifiers: Orphanet 79315, MedGen C3152055, MONDO:0024554, OMIM 600721.

Allele frequency attached by ClinVar (database versions not stated): gnomAD 0.49853; TOPMed 0.50311; 1000 Genomes Project 30x 0.52452; 1000 Genomes Project 0.53295; gnomAD exomes 0.58922.
gnomAD v4.1: 93,234 of 178,378 alleles (52%); highest among the groups gnomAD compares: South Asian, 67%; 25,792 homozygotes.

Submissions (2):

Illumina Laboratory Services, Illumina
Classification: Benign for D-2-hydroxyglutaric aciduria 1. Last evaluated: 2018-01-12. Review status: criteria provided, single submitter. Criteria: ICSL Variant Classification Criteria 13 December 2019. Collection method: clinical testing. Allele origin: germline.
Comment: This variant was observed in the ICSL laboratory as part of a predisposition screen in an ostensibly healthy population. It had not been previously curated by ICSL or reported in the Human Gene Mutation Database (HGMD: prior to June 1st, 2018), and was therefore a candidate for classification through an automated scoring system. Utilizing variant allele frequency, disease prevalence and penetrance estimates, and inheritance mode, an automated score was calculated to assess if this variant is too frequent to cause the disease. Based on the score and internal cut-off values, a variant classified as benign is not then subjected to further curation. The score for this variant resulted in a classification of benign for this disease.

Breakthrough Genomics
Classification: Benign. Review status: criteria provided, single submitter. Criteria: ACMG Guidelines, 2015. Collection method: not provided. Allele origin: germline. Inheritance: Autosomal recessive inheritance. Affected: yes.

NM_152783.5(D2HGDH):c.*449C>T

Gene: D2HGDH (D-2-hydroxyglutarate dehydrogenase; plus strand). Cytogenetic location: 2q37.3.
Variant type: single nucleotide variant.
Coding change: c.*449C>T on transcript NM_152783.5 (MANE Select); 449 bases downstream of the stop codon, C replaced by T.
Molecular consequence: 3 prime UTR variant. On other transcripts: non-coding transcript variant (1).
Genome position (GRCh38, 1-based): chr2:241,768,418, C>T. VCF-style: chr2-241768418-C-T. GRCh37 (hg19) VCF-style: chr2-242707833-C-T.
Other names: c.*449C>T (NM_001287249.2, NM_001352824.2).
Identifiers: ClinVar variation 335338 (VCV000335338.6), dbSNP rs4234096, ClinGen allele CA10612938.